The following is an entry in ClinVar:

ClinVar aggregate classification (germline): Uncertain significance. Review status: criteria provided, multiple submitters, no conflicts (2 of 4 stars). 2 submissions from 2 submitters: Uncertain significance (2). Last evaluated 2026-06-24.

Conditions:
Nephronophthisis 16 (NPHP16). Identifiers: Orphanet 655, MedGen C3809320, MONDO:0014158, OMIM 615382.
Inborn genetic diseases. Identifiers: MedGen C0950123, MeSH D030342.

Allele frequency attached by ClinVar (database versions not stated): ExAC 0.00001; TOPMed 0.00005; gnomAD exomes 0.00001; gnomAD 0.00007.
gnomAD v4.1: 26 of 1,614,112 alleles (0.0016%); highest among the groups gnomAD compares: African/African-American, 0.028%; no homozygotes.

Submissions (2):

Ambry Genetics
Classification: Uncertain significance for Inborn genetic diseases. Last evaluated: 2026-06-24. Review status: criteria provided, single submitter. Criteria: Ambry Variant Classification Scheme 2023. Collection method: clinical testing. Allele origin: germline.
Comment: The c.1331G>A (p.S444N) alteration is located in exon 6 (coding exon 6) of the ANKS6 gene. This alteration results from a G to A substitution at nucleotide position 1331, causing the serine (S) at amino acid position 444 to be replaced by an asparagine (N). Based on data from gnomAD, the A allele has an overall frequency of 0.019% (6/31406) total alleles studied. The highest observed frequency was 0.069% (6/8710) of African alleles. Based on insufficient or conflicting evidence, the clinical significance of this alteration remains unclear.

Labcorp Genetics (formerly Invitae), Labcorp
Classification: Uncertain significance for Nephronophthisis 16. Last evaluated: 2023-11-13. Review status: criteria provided, single submitter. Criteria: Invitae Variant Classification Sherloc (09022015). Collection method: clinical testing. Allele origin: germline.
Comment: This sequence change replaces serine, which is neutral and polar, with asparagine, which is neutral and polar, at codon 444 of the ANKS6 protein (p.Ser444Asn). This variant is present in population databases (rs752286814, gnomAD 0.03%). This variant has not been reported in the literature in individuals affected with ANKS6-related conditions. Algorithms developed to predict the effect of missense changes on protein structure and function output the following: SIFT: "Not Available"; PolyPhen-2: "Benign"; Align-GVGD: "Not Available". The asparagine amino acid residue is found in multiple mammalian species, which suggests that this missense change does not adversely affect protein function. In summary, the available evidence is currently insufficient to determine the role of this variant in disease. Therefore, it has been classified as a Variant of Uncertain Significance.

NM_173551.5(ANKS6):c.1331G>A (p.Ser444Asn)

Gene: ANKS6 (ankyrin repeat and sterile alpha motif domain containing 6; minus strand). Cytogenetic location: 9q22.33.
Variant type: single nucleotide variant.
Coding change: c.1331G>A on transcript NM_173551.5 (MANE Select); coding-DNA position 1331, G replaced by A.
Protein change: p.Ser444Asn; replaces serine 444 with asparagine.
Molecular consequence: missense variant.
Genome position (GRCh38, 1-based): chr9:98,780,226, C>T on the plus strand (G>A on the coding strand, the complement: ANKS6 is on the minus strand). VCF-style: chr9-98780226-C-T. GRCh37 (hg19) VCF-style: chr9-101542508-C-T.
Other names: c.1331G>A (NM_173551.3); short protein forms S444N.
Identifiers: ClinVar variation 2728474 (VCV002728474.4), dbSNP rs752286814, ClinGen allele CA5153547.